The following is an entry in ClinVar:

ClinVar aggregate classification (germline): Benign/Likely benign. Review status: criteria provided, multiple submitters, no conflicts (2 of 4 stars). 6 submissions from 6 submitters: Benign (3); Likely benign (2). 1 of the submissions does not count toward it. Last evaluated 2025-12-12.

Conditions:
PRRT2-Related Disorder. Also called: PRRT2-related disorders. Identifiers: MedGen CN381059.
Episodic kinesigenic dyskinesia (EKD). Also called: Paroxysmal kinesigenic dyskinesia. Identifiers: Orphanet 98809, MedGen C1868682, MONDO:0044202.
Inborn genetic diseases. Identifiers: MedGen C0950123, MeSH D030342.

Allele frequency attached by ClinVar (database versions not stated): gnomAD exomes 0.00005 and 0.00012; ExAC 0.00015; gnomAD 0.00043 and 0.00044; TOPMed 0.00051; ESP Exome Variant Server 0.00054; 1000 Genomes Project 0.00100; 1000 Genomes Project 30x 0.00109.
gnomAD v4.1: 132 of 1,612,608 alleles (0.0082%); highest among the groups gnomAD compares: African/African-American, 0.17%; no homozygotes.

Submissions (6):

Labcorp Genetics (formerly Invitae), Labcorp
Classification: Benign for Episodic kinesigenic dyskinesia. Last evaluated: 2025-12-12. Review status: criteria provided, single submitter. Criteria: Invitae Variant Classification Sherloc (09022015). Collection method: clinical testing. Allele origin: germline.

CeGaT Center for Human Genetics Tuebingen
Classification: Likely benign. Last evaluated: 2025-09-01. Review status: criteria provided, single submitter. Criteria: CeGaT Center For Human Genetics Tuebingen Variant Classification Criteria Version 2. Collection method: clinical testing. Allele origin: germline. Affected: yes. Observed: 1 variant allele.
Comment: PRRT2: BP4, BP7

Ambry Genetics
Classification: Benign for Inborn genetic diseases. Last evaluated: 2020-01-03. Review status: criteria provided, single submitter. Criteria: Ambry Variant Classification Scheme 2023. Collection method: clinical testing. Allele origin: germline.

GeneDx
Classification: Benign. Last evaluated: 2019-08-08. Review status: criteria provided, single submitter. Criteria: GeneDx Variant Classification Process June 2021. Collection method: clinical testing. Allele origin: germline. Affected: yes.
Comment: This variant is associated with the following publications: (PMID: 24594579)

Eurofins Ntd Llc (ga)
Classification: Likely benign. Last evaluated: 2018-01-11. Review status: criteria provided, single submitter. Criteria: EGL Classification Definitions 2015. Collection method: clinical testing. Allele origin: germline. Observed: 2 variant alleles, 2 heterozygotes.

PreventionGenetics, part of Exact Sciences
Classification: Likely benign for PRRT2-related condition. Last evaluated: 2019-08-13. Review status: no assertion criteria provided. Collection method: clinical testing. Allele origin: germline. Not counted in ClinVar's aggregate classification.
Comment: This variant is classified as likely benign based on ACMG/AMP sequence variant interpretation guidelines (Richards et al. 2015 PMID: 25741868, with internal and published modifications).

NM_145239.3(PRRT2):c.828C>T (p.Cys276=)

Genes: MVP-DT (MVP divergent transcript; minus strand), PRRT2 (proline rich transmembrane protein 2; plus strand). Cytogenetic location: 16p11.2.
Variant type: single nucleotide variant.
Coding change: c.828C>T on transcript NM_145239.3 (MANE Select); coding-DNA position 828, C replaced by T.
Protein change: p.Cys276=; no amino-acid change (cysteine 276 retained).
Molecular consequence: synonymous variant.
Genome position (GRCh38, 1-based): chr16:29,813,882, C>T. VCF-style: chr16-29813882-C-T. GRCh37 (hg19) VCF-style: chr16-29825203-C-T.
Other names: c.828C>T (NM_001256442.1); c.828C>T, p.Cys276= (NM_001256442.2, NM_001256443.2).
Identifiers: ClinVar variation 167545 (VCV000167545.28), dbSNP rs35625748, ClinGen allele CA234734.